The following is an entry in ClinVar:

NM_012448.4(STAT5B):c.1268G>A (p.Arg423Gln)

Gene: STAT5B (signal transducer and activator of transcription 5B; minus strand). Cytogenetic location: 17q21.2.
Variant type: single nucleotide variant.
Coding change: c.1268G>A on transcript NM_012448.4 (MANE Select); coding-DNA position 1268, G replaced by A.
Protein change: p.Arg423Gln; replaces arginine 423 with glutamine.
Molecular consequence: missense variant.
Genome position (GRCh38, 1-based): chr17:42,217,272, C>T on the plus strand (G>A on the coding strand, the complement: STAT5B is on the minus strand). VCF-style: chr17-42217272-C-T. GRCh37 (hg19) VCF-style: chr17-40369290-C-T.
Other names: short protein forms R423Q.
Identifiers: ClinVar variation 1320465 (VCV001320465.4), dbSNP rs373996796, ClinGen allele CA8574076.

ClinVar aggregate classification (germline): Uncertain significance. Review status: criteria provided, multiple submitters, no conflicts (2 of 4 stars). 2 submissions from 2 submitters: Uncertain significance (2). Last evaluated 2025-12-16.

Conditions:
Growth hormone insensitivity with immune dysregulation 1, autosomal recessive. Also called: LARON SYNDROME DUE TO POSTRECEPTOR DEFECT; Laron syndrome with immunodeficiency; GROWTH HORMONE INSENSITIVITY SYNDROME WITH IMMUNE DYSREGULATION 1, AUTOSOMAL RECESSIVE; GROWTH HORMONE INSENSITIVITY DUE TO POSTRECEPTOR DEFECT. Identifiers: Orphanet 220465, MedGen C5435698, MONDO:0100211, OMIM 245590.

Allele frequency attached by ClinVar (database versions not stated): gnomAD exomes below 0.00001; TOPMed below 0.00001; ExAC 0.00001; gnomAD 0.00001; ESP Exome Variant Server 0.00008.
gnomAD v4.1: 4 of 1,613,996 alleles (0.00025%); highest among the groups gnomAD compares: Non-Finnish European, 0.00034%; no homozygotes.

Submissions (2):

GeneDx
Classification: Uncertain significance. Last evaluated: 2025-12-16. Review status: criteria provided, single submitter. Criteria: GeneDx Variant Classification Process June 2021. Collection method: clinical testing. Allele origin: germline. Affected: yes.
Comment: In silico analysis suggests that this missense variant does not alter protein structure/function; Not observed at significant frequency in large population cohorts (gnomAD); Has not been previously reported as a pathogenic or benign germline variant to our knowledge; This variant is associated with the following publications: (PMID: 34051805)

Labcorp Genetics (formerly Invitae), Labcorp
Classification: Uncertain significance for Growth hormone insensitivity with immune dysregulation 1, autosomal recessive. Last evaluated: 2025-11-20. Review status: criteria provided, single submitter. Criteria: Invitae Variant Classification Sherloc (09022015). Collection method: clinical testing. Allele origin: germline.
Comment: This sequence change replaces arginine, which is basic and polar, with glutamine, which is neutral and polar, at codon 423 of the STAT5B protein (p.Arg423Gln). This variant is present in population databases (rs373996796, gnomAD 0.0009%). This variant has not been reported in the literature in individuals affected with STAT5B-related conditions. ClinVar contains an entry for this variant (Variation ID: 1320465). Invitae Evidence Modeling of protein sequence and biophysical properties (such as structural, functional, and spatial information, amino acid conservation, physicochemical variation, residue mobility, and thermodynamic stability) indicates that this missense variant is not expected to disrupt STAT5B protein function with a negative predictive value of 80%. In summary, the available evidence is currently insufficient to determine the role of this variant in disease. Therefore, it has been classified as a Variant of Uncertain Significance.